The following is an entry in ClinVar:

NM_006904.7(PRKDC):c.5030G>C (p.Ser1677Thr)

Gene: PRKDC (protein kinase, DNA-activated, catalytic subunit; minus strand). Cytogenetic location: 8q11.21.
Variant type: single nucleotide variant.
Coding change: c.5030G>C on transcript NM_006904.7 (MANE Select); coding-DNA position 5030, G replaced by C.
Protein change: p.Ser1677Thr; replaces serine 1677 with threonine.
Molecular consequence: missense variant.
Genome position (GRCh38, 1-based): chr8:47,881,453, C>G on the plus strand (G>C on the coding strand, the complement: PRKDC is on the minus strand). VCF-style: chr8-47881453-C-G. GRCh37 (hg19) VCF-style: chr8-48794014-C-G.
Other names: c.5030G>C, p.Ser1677Thr (NM_001081640.2); short protein forms S1677T.
Identifiers: ClinVar variation 971522 (VCV000971522.8), dbSNP rs376474173, ClinGen allele CA4740739.

ClinVar aggregate classification (germline): Uncertain significance (1 of 4 stars; one submission).

Conditions:
Severe combined immunodeficiency due to DNA-PKcs deficiency. Also called: IMMUNODEFICIENCY 26 WITH NEUROLOGIC ABNORMALITIES; Immunodeficiency 26 with or without neurologic abnormalities. Identifiers: Orphanet 317425, MedGen C4014833, MONDO:0014423, OMIM 615966.

Allele frequency attached by ClinVar (database versions not stated): gnomAD exomes 0.00001 and 0.00004; ExAC 0.00009; ESP Exome Variant Server 0.00017; TOPMed 0.00019; gnomAD 0.00024; 1000 Genomes Project 0.00060; 1000 Genomes Project 30x 0.00094.
gnomAD v4.1: 56 of 1,572,690 alleles (0.0036%); highest among the groups gnomAD compares: African/African-American, 0.072%; no homozygotes.

Submission:

Labcorp Genetics (formerly Invitae), Labcorp
Classification: Uncertain significance for Severe combined immunodeficiency due to DNA-PKcs deficiency. Last evaluated: 2022-06-14. Review status: criteria provided, single submitter. Criteria: Invitae Variant Classification Sherloc (09022015). Collection method: clinical testing. Allele origin: germline.
Comment: Algorithms developed to predict the effect of missense changes on protein structure and function output the following: SIFT: "Not Available"; PolyPhen-2: "Not Available"; Align-GVGD: "Not Available". The threonine amino acid residue is found in multiple mammalian species, which suggests that this missense change does not adversely affect protein function. ClinVar contains an entry for this variant (Variation ID: 971522). This variant has not been reported in the literature in individuals affected with PRKDC-related conditions. This variant is present in population databases (rs376474173, gnomAD 0.06%). This sequence change replaces serine, which is neutral and polar, with threonine, which is neutral and polar, at codon 1677 of the PRKDC protein (p.Ser1677Thr). In summary, the available evidence is currently insufficient to determine the role of this variant in disease. Therefore, it has been classified as a Variant of Uncertain Significance.